The following is an entry in ClinVar:

NM_000059.4(BRCA2):c.6379del (p.Ser2127fs)

Gene: BRCA2 (BRCA2 DNA repair associated; plus strand). Cytogenetic location: 13q13.1.
Variant type: Deletion.
Coding change: c.6379del on transcript NM_000059.4 (MANE Select); coding-DNA position 6379, one base deleted (A; older notation c.6379delA).
Protein change: p.Ser2127fs; shifts the reading frame from serine 2127.
Molecular consequence: frameshift variant.
Genome position (GRCh38, 1-based): chr13:32,340,734, A deleted. VCF-style (leftmost placement, unchanged base first): chr13-32340733-CA-C. GRCh37 (hg19) VCF-style: chr13-32914870-CA-C.
Other names: c.6379delA (NM_000059.3); short protein forms S2127fs.
Identifiers: ClinVar variation 421570 (VCV000421570.15), dbSNP rs1064795216, ClinGen allele CA16619743.

ClinVar aggregate classification (germline): Pathogenic. Review status: reviewed by expert panel (3 of 4 stars). 4 submissions from 4 submitters: Pathogenic (1). 3 of the submissions do not count toward it. Last evaluated 2017-12-15.

Conditions:
Hereditary cancer-predisposing syndrome. Also called: Hereditary neoplastic syndrome; Hereditary Cancer Syndrome; Neoplastic Syndromes, Hereditary; Tumor predisposition. Identifiers: Orphanet 140162, MedGen C0027672, MeSH D009386, MONDO:0015356.
Breast-ovarian cancer, familial, susceptibility to, 2 (BROVCA2). Also called: BRCA2 Hereditary Breast and Ovarian Cancer. Identifiers: Orphanet 145, MedGen C2675520, MONDO:0012933, OMIM 612555. Disease mechanism: loss of function.
Hereditary breast ovarian cancer syndrome. Also called: Hereditary breast and ovarian cancer syndrome; BRCA1- and BRCA2-Associated Hereditary Breast and Ovarian Cancer; Hereditary breast and/or ovarian cancer syndrome; Hereditary breast and ovarian cancer; Breast and ovarian cancer; Hereditary breast and ovarian cancer syndrome (HBOC). Identifiers: Orphanet 145, MedGen C0677776, MeSH D061325, MONDO:0003582. Disease mechanism: loss of function.

Submissions (4):

Evidence-based Network for the Interpretation of Germline Mutant Alleles (ENIGMA)
Classification: Pathogenic for Breast-ovarian cancer, familial, susceptibility to, 2. Last evaluated: 2017-12-15. Review status: reviewed by expert panel. Criteria: ENIGMA BRCA1/2 Classification Criteria (2017-06-29). Collection method: curation. Allele origin: germline. Study: ENIGMA.
Comment: Variant allele predicted to encode a truncated non-functional protein.

GeneDx
Classification: Pathogenic. Last evaluated: 2023-10-05. Review status: criteria provided, single submitter. Criteria: GeneDx Variant Classification Process June 2021. Collection method: clinical testing. Allele origin: germline. Affected: yes. Not counted in ClinVar's aggregate classification.
Comment: Frameshift variant predicted to result in protein truncation or nonsense mediated decay in a gene for which loss of function is a known mechanism of disease; Observed in patients undergoing multigene panel tested based on personal and family history of cancer (Li et al., 2020); Not observed at significant frequency in large population cohorts (gnomAD); Truncating variants in this gene are considered pathogenic by a well-established clinical consortium and/or database; Also known as 6607del; This variant is associated with the following publications: (PMID: 29703267, 31853058)

Labcorp Genetics (formerly Invitae), Labcorp
Classification: Pathogenic for Hereditary breast ovarian cancer syndrome. Last evaluated: 2023-06-07. Review status: criteria provided, single submitter. Criteria: Invitae Variant Classification Sherloc (09022015). Collection method: clinical testing. Allele origin: germline. Not counted in ClinVar's aggregate classification.
Comment: ClinVar contains an entry for this variant (Variation ID: 421570). For these reasons, this variant has been classified as Pathogenic. This variant has not been reported in the literature in individuals affected with BRCA2-related conditions. This variant is not present in population databases (gnomAD no frequency). This sequence change creates a premature translational stop signal (p.Ser2127Valfs*10) in the BRCA2 gene. It is expected to result in an absent or disrupted protein product. Loss-of-function variants in BRCA2 are known to be pathogenic (PMID: 20104584).

Ambry Genetics
Classification: Pathogenic for Hereditary cancer-predisposing syndrome. Last evaluated: 2021-12-15. Review status: criteria provided, single submitter. Criteria: Ambry Variant Classification Scheme 2023. Collection method: clinical testing. Allele origin: germline. Not counted in ClinVar's aggregate classification.
Comment: The c.6379delA pathogenic mutation, located in coding exon 10 of the BRCA2 gene, results from a deletion of one nucleotide at nucleotide position 6379, causing a translational frameshift with a predicted alternate stop codon (p.S2127Vfs*10). This alteration is expected to result in loss of function by premature protein truncation or nonsense-mediated mRNA decay. As such, this alteration is interpreted as a disease-causing mutation.

Literature cited by the submitters: PubMed 20104584 (cited by Labcorp Genetics (formerly Invitae), Labcorp).